The following is an entry in ClinVar:

ClinVar aggregate classification (germline): Uncertain significance (1 of 4 stars; one submission).

Conditions:
Hereditary pancreatitis (PCTT). Also called: Hereditary chronic pancreatitis; PRSS1-Related Hereditary Pancreatitis. Identifiers: Orphanet 676, MedGen C0238339, MONDO:0008185, OMIM 167800.

Submission:

Ambry Genetics
Classification: Uncertain significance for Hereditary pancreatitis. Last evaluated: 2024-08-14. Review status: criteria provided, single submitter. Criteria: Ambry Variant Classification Scheme 2023. Collection method: clinical testing. Allele origin: germline.
Comment: The p.A184P variant (also known as c.550G>C), located in coding exon 6 of the CTRC gene, results from a G to C substitution at nucleotide position 550. The alanine at codon 184 is replaced by proline, an amino acid with highly similar properties. This amino acid position is conserved. In addition, this alteration is predicted to be tolerated by in silico analysis. Based on the available evidence, the clinical significance of this variant remains unclear.

NM_007272.3(CTRC):c.550G>C (p.Ala184Pro)

Gene: CTRC (chymotrypsin C; plus strand). Cytogenetic location: 1p36.21.
Variant type: single nucleotide variant.
Coding change: c.550G>C on transcript NM_007272.3 (MANE Select); coding-DNA position 550, G replaced by C.
Protein change: p.Ala184Pro; replaces alanine 184 with proline.
Molecular consequence: missense variant.
Genome position (GRCh38, 1-based): chr1:15,444,662, G>C. VCF-style: chr1-15444662-G-C. GRCh37 (hg19) VCF-style: chr1-15771157-G-C.
Other names: short protein forms A184P.
Identifiers: ClinVar variation 3498399 (VCV003498399.1).
Genomic context (GRCh38, chr1:15,444,662, plus strand): 5'-CCAGCCAACGGCCCCATTGCTGATAAGCTGCAGCAGGGCCTGCAGCCCGTGGTGGATCAC[G>C]CCACGTGCTCCAGGATTGACTGGTGGGGCTTCAGGGTGAAGAAAACCATGGTGTGCGCTG-3'
Protein context (NP_009203.2, residues 174-194): QQGLQPVVDH[Ala184Pro]TCSRIDWWGF